The following is an entry in ClinVar:

ClinVar aggregate classification (germline): Pathogenic (1 of 4 stars; one submission).

Conditions:
Charcot-Marie-Tooth disease, type I (CMT1). Also called: Charcot-Marie-Tooth disease type 1; Charcot-Marie-Tooth, Type 1. Identifiers: Orphanet 65753, MedGen C0751036, MONDO:0019011.

Submission:

Labcorp Genetics (formerly Invitae), Labcorp
Classification: Pathogenic for Charcot-Marie-Tooth disease, type I. Last evaluated: 2022-04-15. Review status: criteria provided, single submitter. Criteria: Invitae Variant Classification Sherloc (09022015). Collection method: clinical testing. Allele origin: germline.
Comment: For these reasons, this variant has been classified as Pathogenic. This variant has not been reported in the literature in individuals affected with MPZ-related conditions. This variant is not present in population databases (gnomAD no frequency). This sequence change creates a premature translational stop signal (p.Val102Alafs*20) in the MPZ gene. It is expected to result in an absent or disrupted protein product. Loss-of-function variants in MPZ are known to be pathogenic (PMID: 14711881).

Literature cited by the submitters: PubMed 14711881.

NM_000530.8(MPZ):c.304_305insC (p.Val102fs)

Gene: MPZ (myelin protein zero; minus strand). Cytogenetic location: 1q23.3.
Variant type: Insertion.
Coding change: c.304_305insC on transcript NM_000530.8 (MANE Select); coding-DNA positions 304 to 305, C inserted.
Protein change: p.Val102fs; shifts the reading frame from valine 102.
Molecular consequence: frameshift variant.
Genome position: GRCh38 VCF-style: chr1-161306851-A-AG. GRCh37 (hg19) VCF-style: chr1-161276641-A-AG.
Other names: c.304_305insC, p.Val102fs (NM_001315491.2); short protein forms V102fs.
Identifiers: ClinVar variation 2126583 (VCV002126583.4), dbSNP rs2526238682, ClinGen allele CA2580061338.